The following is an entry in ClinVar:

ClinVar aggregate classification (germline): Uncertain significance (1 of 4 stars; one submission).

Conditions:
Progressive encephalopathy with leukodystrophy due to DECR deficiency. Identifiers: Orphanet 431361, MedGen C1857252, MONDO:0014464, OMIM 616034.

gnomAD v4.1: 1 of 1,518,118 alleles (0.000066%); highest among the groups gnomAD compares: Non-Finnish European, 0.000087%; no homozygotes.

Submission:

Labcorp Genetics (formerly Invitae), Labcorp
Classification: Uncertain significance for Progressive encephalopathy with leukodystrophy due to DECR deficiency. Last evaluated: 2024-12-08. Review status: criteria provided, single submitter. Criteria: Invitae Variant Classification Sherloc (09022015). Collection method: clinical testing. Allele origin: germline.
Comment: This sequence change replaces proline, which is neutral and non-polar, with histidine, which is basic and polar, at codon 68 of the NADK2 protein (p.Pro68His). This variant is not present in population databases (gnomAD no frequency). This variant has not been reported in the literature in individuals affected with NADK2-related conditions. Invitae Evidence Modeling of protein sequence and biophysical properties (such as structural, functional, and spatial information, amino acid conservation, physicochemical variation, residue mobility, and thermodynamic stability) indicates that this missense variant is expected to disrupt NADK2 protein function with a positive predictive value of 80%. In summary, the available evidence is currently insufficient to determine the role of this variant in disease. Therefore, it has been classified as a Variant of Uncertain Significance.

NM_001085411.3(NADK2):c.203C>A (p.Pro68His)

Genes: NADK2 (NAD kinase 2, mitochondrial; minus strand), LOC129993801 (ATAC-STARR-seq lymphoblastoid silent region 15972; plus strand). Cytogenetic location: 5p13.2.
Variant type: single nucleotide variant.
Coding change: c.203C>A on transcript NM_001085411.3 (MANE Select); coding-DNA position 203, C replaced by A.
Protein change: p.Pro68His; replaces proline 68 with histidine.
Molecular consequence: missense variant. On other transcripts: intron variant (2).
Genome position (GRCh38, 1-based): chr5:36,241,596, G>T on the plus strand (C>A on the coding strand, the complement: NADK2 is on the minus strand). VCF-style: chr5-36241596-G-T. GRCh37 (hg19) VCF-style: chr5-36241698-G-T.
Other names: c.-190+500C>A (NM_153013.5, NM_001287341.2); short protein forms P68H.
Identifiers: ClinVar variation 3720946 (VCV003720946.2).